The following is an entry in ClinVar:

ClinVar aggregate classification (germline): Pathogenic (1 of 4 stars; one submission).

Submission:

Labcorp Genetics (formerly Invitae), Labcorp
Classification: Pathogenic. Last evaluated: 2022-07-25. Review status: criteria provided, single submitter. Criteria: Invitae Variant Classification Sherloc (09022015). Collection method: clinical testing. Allele origin: germline.
Comment: This variant is not present in population databases (gnomAD no frequency). For these reasons, this variant has been classified as Pathogenic. This variant has not been reported in the literature in individuals affected with LZTR1-related conditions. This sequence change creates a premature translational stop signal (p.Tyr535Ilefs*134) in the LZTR1 gene. It is expected to result in an absent or disrupted protein product. Loss-of-function variants in LZTR1 are known to be pathogenic (PMID: 24362817, 25335493, 25480913, 25795793, 29469822, 30442762, 30442766, 30481304, 30859559).

Literature cited by the submitters: PubMed 24362817; PubMed 25335493; PubMed 25480913; PubMed 25795793; PubMed 29469822; PubMed 30442762; PubMed 30442766; PubMed 30481304; PubMed 30859559.

NM_006767.4(LZTR1):c.1602dup (p.Tyr535fs)

Gene: LZTR1 (leucine zipper like post translational regulator 1; plus strand). Cytogenetic location: 22q11.21.
Variant type: Duplication.
Coding change: c.1602dup on transcript NM_006767.4 (MANE Select); coding-DNA position 1602, one base duplicated (A; older notation c.1602dupA).
Protein change: p.Tyr535fs; shifts the reading frame from tyrosine 535.
Molecular consequence: frameshift variant.
Genome position (GRCh38, 1-based): chr22:20,994,256, A duplicated; the last of 3 consecutive A bases (chr22:20,994,254-20,994,256); duplicating any one gives the same sequence. VCF-style (leftmost placement, unchanged base first): chr22-20994253-C-CA. GRCh37 (hg19) VCF-style: chr22-21348542-C-CA.
Other names: short protein forms Y535fs.
Identifiers: ClinVar variation 2131007 (VCV002131007.4), dbSNP rs1268674934, ClinGen allele CA2580099203.